The following is an entry in ClinVar:

NM_016507.4(CDK12):c.2932T>C (p.Tyr978His)

Gene: CDK12 (cyclin dependent kinase 12; plus strand). Cytogenetic location: 17q12.
Variant type: single nucleotide variant.
Coding change: c.2932T>C on transcript NM_016507.4 (MANE Select); coding-DNA position 2932, T replaced by C.
Protein change: p.Tyr978His; replaces tyrosine 978 with histidine.
Molecular consequence: missense variant.
Genome position (GRCh38, 1-based): chr17:39,517,525, T>C. VCF-style: chr17-39517525-T-C. GRCh37 (hg19) VCF-style: chr17-37673778-T-C.
Other names: c.2932T>C, p.Tyr978His (NM_015083.4); short protein forms Y978H.
Identifiers: ClinVar variation 5034112 (VCV005034112.1).

ClinVar aggregate classification (germline): Uncertain significance (1 of 4 stars; one submission).

gnomAD v4.1: 2 of 1,609,550 alleles (0.00012%); highest among the groups gnomAD compares: African/African-American, 0.0013%; no homozygotes.

Submission:

Ambry Genetics
Classification: Uncertain significance. Last evaluated: 2026-07-25. Review status: criteria provided, single submitter. Criteria: Ambry Variant Classification Scheme 2023. Collection method: clinical testing. Allele origin: germline.
Comment: The p.Y978H variant (also known as c.2932T>C), located in coding exon 10 of the CDK12 gene, results from a T to C substitution at nucleotide position 2932. The tyrosine at codon 978 is replaced by histidine, an amino acid with similar properties. This amino acid position is conserved. In addition, the in silico prediction for this alteration is inconclusive. Based on the available evidence, the clinical significance of this variant remains unclear.